The following is an entry in ClinVar:

ClinVar aggregate classification (germline): Conflicting classifications of pathogenicity. Review status: criteria provided, conflicting classifications (1 of 4 stars). 5 submissions from 5 submitters: Uncertain significance (4); Likely benign (1). Last evaluated 2026-06-30.

Conditions:
RAI1-related disorder. Also called: RAI1-related condition.
Inborn genetic diseases. Identifiers: MedGen C0950123, MeSH D030342.
Smith-Magenis syndrome (SMS). Also called: CHROMOSOME 17p11.2 DELETION SYNDROME. Identifiers: Orphanet 819, MedGen C0795864, MONDO:0008434, OMIM 182290.

Allele frequency attached by ClinVar (database versions not stated): gnomAD exomes 0.00001 and 0.00002; gnomAD 0.00002; ExAC 0.00003; TOPMed 0.00004; ESP Exome Variant Server 0.00008.
gnomAD v4.1: 11 of 1,610,964 alleles (0.00068%); highest among the groups gnomAD compares: African/African-American, 0.013%; no homozygotes.

Submissions (5):

PreventionGenetics, part of Exact Sciences
Classification: Uncertain significance for RAI1-related condition. Last evaluated: 2026-06-30. Review status: criteria provided, single submitter. Criteria: ACMG Guidelines, 2015. Collection method: clinical testing. Allele origin: germline.
Comment: The RAI1 c.3590G>T variant is predicted to result in the amino acid substitution p.Gly1197Val. To our knowledge, this variant has not been reported in the literature. This variant is reported in 0.024% of alleles in individuals of African descent in gnomAD. At this time, the clinical significance of this variant is uncertain due to the absence of conclusive functional and genetic evidence.

Ambry Genetics
Classification: Likely benign for Inborn genetic diseases. Last evaluated: 2025-08-06. Review status: criteria provided, single submitter. Criteria: Ambry Variant Classification Scheme 2023. Collection method: clinical testing. Allele origin: germline.

Labcorp Genetics (formerly Invitae), Labcorp
Classification: Uncertain significance. Last evaluated: 2024-11-19. Review status: criteria provided, single submitter. Criteria: Invitae Variant Classification Sherloc (09022015). Collection method: clinical testing. Allele origin: germline.
Comment: This sequence change replaces glycine, which is neutral and non-polar, with valine, which is neutral and non-polar, at codon 1197 of the RAI1 protein (p.Gly1197Val). This variant is present in population databases (rs368975225, gnomAD 0.02%). This variant has not been reported in the literature in individuals affected with RAI1-related conditions. ClinVar contains an entry for this variant (Variation ID: 212009). Invitae Evidence Modeling of protein sequence and biophysical properties (such as structural, functional, and spatial information, amino acid conservation, physicochemical variation, residue mobility, and thermodynamic stability) indicates that this missense variant is not expected to disrupt RAI1 protein function with a negative predictive value of 80%. In summary, the available evidence is currently insufficient to determine the role of this variant in disease. Therefore, it has been classified as a Variant of Uncertain Significance.

New York Genome Center
Classification: Uncertain significance for Smith-Magenis syndrome. Last evaluated: 2021-06-04. Review status: criteria provided, single submitter. Criteria: NYGC Assertion Criteria 2020. Collection method: clinical testing. Allele origin: inherited. Observed: 1 heterozygote. Study: CSER-NYCKidSeq.

Genetic Services Laboratory, University of Chicago
Classification: Uncertain significance. Last evaluated: 2015-04-23. Review status: criteria provided, single submitter. Criteria: ACMG Guidelines, 2015. Collection method: clinical testing. Allele origin: germline.

NM_030665.4(RAI1):c.3590G>T (p.Gly1197Val)

Gene: RAI1 (retinoic acid induced 1; plus strand). Cytogenetic location: 17p11.2.
Variant type: single nucleotide variant.
Coding change: c.3590G>T on transcript NM_030665.4 (MANE Select); coding-DNA position 3590, G replaced by T.
Protein change: p.Gly1197Val; replaces glycine 1197 with valine.
Molecular consequence: missense variant.
Genome position (GRCh38, 1-based): chr17:17,796,538, G>T. VCF-style: chr17-17796538-G-T. GRCh37 (hg19) VCF-style: chr17-17699852-G-T.
Other names: short protein forms G1197V.
Identifiers: ClinVar variation 212009 (VCV000212009.16), dbSNP rs368975225, ClinGen allele CA208783.
Genomic context (GRCh38, chr17:17,796,538, plus strand): 5'-TCCTCGACAACAGCCACTTGCCCGCCACATTCAAGGTCTCCAGCAGCCCCCAGAAGGAGG[G>T]CAGGGTGAGCCAGCGGGCAAGGGTCCCCAAACCTGGTGCAGGCAGCAAGCTCTCTGACCG-3'
Protein context (NP_109590.3, residues 1187-1207): FKVSSSPQKE[Gly1197Val]RVSQRARVPK